The following is an entry in ClinVar:

ClinVar aggregate classification (germline): Uncertain significance. Review status: criteria provided, multiple submitters, no conflicts (2 of 4 stars). 2 submissions from 2 submitters: Uncertain significance (2). Last evaluated 2025-06-02.

Allele frequency attached by ClinVar (database versions not stated): gnomAD exomes below 0.00001.
gnomAD v4.1: 2 of 1,547,600 alleles (0.00013%); highest among the groups gnomAD compares: Admixed American, 0.0039%; no homozygotes.

Submissions (2):

Labcorp Genetics (formerly Invitae), Labcorp
Classification: Uncertain significance. Last evaluated: 2025-06-02. Review status: criteria provided, single submitter. Criteria: Invitae Variant Classification Sherloc (09022015). Collection method: clinical testing. Allele origin: germline.
Comment: This sequence change replaces arginine, which is basic and polar, with glutamine, which is neutral and polar, at codon 380 of the RIMS1 protein (p.Arg380Gln). This variant is present in population databases (no rsID available, gnomAD 0.004%). This variant has not been reported in the literature in individuals affected with RIMS1-related conditions. ClinVar contains an entry for this variant (Variation ID: 1915316). An algorithm developed to predict the effect of missense changes on protein structure and function (PolyPhen-2) suggests that this variant is likely to be tolerated. In summary, the available evidence is currently insufficient to determine the role of this variant in disease. Therefore, it has been classified as a Variant of Uncertain Significance.

Ambry Genetics
Classification: Uncertain significance. Last evaluated: 2024-12-30. Review status: criteria provided, single submitter. Criteria: Ambry Variant Classification Scheme 2023. Collection method: clinical testing. Allele origin: germline.

NM_014989.7(RIMS1):c.1139G>A (p.Arg380Gln)

Gene: RIMS1 (regulating synaptic membrane exocytosis 1; plus strand). Cytogenetic location: 6q13.
Variant type: single nucleotide variant.
Coding change: c.1139G>A on transcript NM_014989.7 (MANE Select); coding-DNA position 1139, G replaced by A.
Protein change: p.Arg380Gln; replaces arginine 380 with glutamine.
Molecular consequence: missense variant.
Genome position (GRCh38, 1-based): chr6:72,182,610, G>A. VCF-style: chr6-72182610-G-A. GRCh37 (hg19) VCF-style: chr6-72892313-G-A.
Other names: c.1139G>A (NM_014989.4); short protein forms R380Q.
Identifiers: ClinVar variation 1915316 (VCV001915316.6), dbSNP rs1300571226, ClinGen allele CA364820344.
Genomic context (GRCh38, chr6:72,182,610, plus strand): 5'-ACCTAGCTCGGTACCCGGTGAAACCGCCGCCTGAGGAGCAGCAGATGCGCATGCACGCCC[G>A]GGTGTCCCGCGCCAGGCACGAGCGGCGCCACAGCGACGTGGCGCTCCCGCGCACCGAGGC-3'
Protein context (NP_055804.2, residues 370-390): PEEQQMRMHA[Arg380Gln]VSRARHERRH